The following is an entry in ClinVar:

NM_001458.5(FLNC):c.5666A>G (p.Glu1889Gly)

Genes: FLNC (filamin C; plus strand), FLNC-AS1 (FLNC antisense RNA 1; minus strand). Cytogenetic location: 7q32.1.
Variant type: single nucleotide variant.
Coding change: c.5666A>G on transcript NM_001458.5 (MANE Select); coding-DNA position 5666, A replaced by G.
Protein change: p.Glu1889Gly; replaces glutamic acid 1889 with glycine.
Molecular consequence: missense variant.
Genome position (GRCh38, 1-based): chr7:128,851,358, A>G. VCF-style: chr7-128851358-A-G. GRCh37 (hg19) VCF-style: chr7-128491412-A-G.
Other names: c.5567A>G, p.Glu1856Gly (NM_001127487.2); short protein forms E1856G, E1889G.
Identifiers: ClinVar variation 2177911 (VCV002177911.4), dbSNP rs2536655874, ClinGen allele CA369207888.

ClinVar aggregate classification (germline): Uncertain significance (1 of 4 stars; one submission).

Conditions:
Myofibrillar myopathy 5. Also called: Filaminopathy (type); FILAMINOPATHY, AUTOSOMAL DOMINANT. Identifiers: Orphanet 171445, MedGen C1836050, MONDO:0012289, OMIM 609524.
Hypertrophic cardiomyopathy 26. Also called: Cardiomyopathy, familial hypertrophic, 26. Identifiers: Orphanet 75249, MedGen C4310749, MONDO:0014883, OMIM 617047.
Distal myopathy with posterior leg and anterior hand involvement. Also called: WILLIAMS DISTAL MYOPATHY. Identifiers: Orphanet 63273, MedGen C3279722, MONDO:0013550, OMIM 614065.

Submission:

Labcorp Genetics (formerly Invitae), Labcorp
Classification: Uncertain significance for Distal myopathy with posterior leg and anterior hand involvement; Myofibrillar myopathy 5; Hypertrophic cardiomyopathy 26. Last evaluated: 2022-03-10. Review status: criteria provided, single submitter. Criteria: Invitae Variant Classification Sherloc (09022015). Collection method: clinical testing. Allele origin: germline.
Comment: This sequence change replaces glutamic acid, which is acidic and polar, with glycine, which is neutral and non-polar, at codon 1889 of the FLNC protein (p.Glu1889Gly). This variant is not present in population databases (gnomAD no frequency). This variant has not been reported in the literature in individuals affected with FLNC-related conditions. Algorithms developed to predict the effect of missense changes on protein structure and function are either unavailable or do not agree on the potential impact of this missense change (SIFT: "Tolerated"; PolyPhen-2: "Probably Damaging"; Align-GVGD: "Class C0"). In summary, the available evidence is currently insufficient to determine the role of this variant in disease. Therefore, it has been classified as a Variant of Uncertain Significance.